The following is an entry in ClinVar:

ClinVar aggregate classification (germline): Benign/Likely benign. Review status: criteria provided, multiple submitters, no conflicts (2 of 4 stars). 4 submissions from 4 submitters: Benign (1); Likely benign (3). Last evaluated 2026-01-28.

Conditions:
Capillary malformation-arteriovenous malformation syndrome. Also called: Capillary malformation-arteriovenous malformation. Identifiers: Orphanet 137667, MedGen C1842180, MONDO:0012016.
Cardiovascular phenotype. Identifiers: MedGen CN230736.

Allele frequency attached by ClinVar (database versions not stated): TOPMed 0.00013; 1000 Genomes Project 30x 0.00016; ExAC 0.00036; gnomAD 0.00005 and 0.00004; gnomAD exomes 0.00006 and 0.00029; 1000 Genomes Project 0.00020.
gnomAD v4.1: 95 of 1,613,888 alleles (0.0059%); highest among the groups gnomAD compares: Admixed American, 0.15%; no homozygotes.

Submissions (4):

Labcorp Genetics (formerly Invitae), Labcorp
Classification: Likely benign for Capillary malformation-arteriovenous malformation syndrome. Last evaluated: 2026-01-28. Review status: criteria provided, single submitter. Criteria: Invitae Variant Classification Sherloc (09022015). Collection method: clinical testing. Allele origin: germline.

ARUP Laboratories, Molecular Genetics and Genomics, ARUP Laboratories
Classification: Likely benign. Last evaluated: 2025-02-21. Review status: criteria provided, single submitter. Criteria: ARUP Molecular Germline Variant Investigation Process 2024. Collection method: clinical testing. Allele origin: germline.

Ambry Genetics
Classification: Benign for Cardiovascular phenotype. Last evaluated: 2023-09-26. Review status: criteria provided, single submitter. Criteria: Ambry Variant Classification Scheme 2023. Collection method: clinical testing. Allele origin: germline.

GeneDx
Classification: Likely benign. Last evaluated: 2020-12-24. Review status: criteria provided, single submitter. Criteria: GeneDx Variant Classification Process June 2021. Collection method: clinical testing. Allele origin: germline. Affected: yes.
Comment: In silico analysis supports that this missense variant does not alter protein structure/function; Has not been previously published as pathogenic or benign to our knowledge

NM_002890.3(RASA1):c.617T>C (p.Ile206Thr)

Genes: CCNH (cyclin H; minus strand), RASA1 (RAS p21 protein activator 1; plus strand). Cytogenetic location: 5q14.3.
Variant type: single nucleotide variant.
Coding change: c.617T>C on transcript NM_002890.3 (MANE Select); coding-DNA position 617, T replaced by C.
Protein change: p.Ile206Thr; replaces isoleucine 206 with threonine.
Molecular consequence: missense variant. On other transcripts: intron variant (1).
Genome position (GRCh38, 1-based): chr5:87,331,425, T>C. VCF-style: chr5-87331425-T-C. GRCh37 (hg19) VCF-style: chr5-86627242-T-C.
Other names: c.86T>C, p.Ile29Thr (NM_022650.3); c.934-18630A>G (NM_001364075.2); short protein forms I206T, I29T.
Identifiers: ClinVar variation 464869 (VCV000464869.16), dbSNP rs182498192, ClinGen allele CA3335527.